The following is an entry in ClinVar:

NM_001360016.2(G6PD):c.691G>A (p.Ala231Thr)

Gene: G6PD (glucose-6-phosphate dehydrogenase; minus strand). Cytogenetic location: Xq28.
Variant type: single nucleotide variant.
Coding change: c.691G>A on transcript NM_001360016.2 (MANE Select); coding-DNA position 691, G replaced by A.
Protein change: p.Ala231Thr; replaces alanine 231 with threonine.
Molecular consequence: missense variant.
Genome position (GRCh38, 1-based): chrX:154,534,114, C>T on the plus strand (G>A on the coding strand, the complement: G6PD is on the minus strand). VCF-style: chrX-154534114-C-T. GRCh37 (hg19) VCF-style: chrX-153762329-C-T.
Other names: c.781G>A, p.Ala261Thr (NM_000402.4); c.691G>A, p.Ala231Thr (NM_001042351.3); short protein forms A231T, A261T.
Identifiers: ClinVar variation 3339507 (VCV003339507.1).
Genomic context (GRCh38, chrX:154,534,114, plus strand): 5'-CGAAATAGCCCCCGCGACCCTCAGTGCCAAAGGGCTCCTTGAAGGTGAGGATAACGCAGG[C>T]GATGTTGTCCCGGTTCCAGATGGGGCCGAAGATCCTGTTGGCAAATCTGCAGGGAGGGGC-3'
Protein context (NP_001346945.1, residues 221-241): FGPIWNRDNI[Ala231Thr]CVILTFKEPF

ClinVar aggregate classification (germline): Likely pathogenic (1 of 4 stars; one submission).

Conditions:
Anemia, nonspherocytic hemolytic, due to G6PD deficiency (CNSHA1). Also called: Hemolytic anemia due to G6PD deficiency; Class I glucose-6-phosphate dehydrogenase deficiency; Favism, susceptibility to; ANEMIA, CONGENITAL, NONSPHEROCYTIC HEMOLYTIC, 1. Identifiers: Orphanet 466026, MedGen C2720289, MONDO:0010480, OMIM 300908.

gnomAD v4.1: 2 of 1,211,804 alleles (0.00017%); highest among the groups gnomAD compares: Non-Finnish European, 0.00022%; no homozygotes.

Submission:

Dunham Lab, University of Washington
Classification: Likely pathogenic for Anemia, nonspherocytic hemolytic, due to G6PD deficiency. Last evaluated: 2024-09-01. Review status: criteria provided, single submitter. Criteria: ACMG Guidelines, 2015. Collection method: curation. Allele origin: unknown. Affected: yes.
Comment: Decreased activity reported in RBCs (PS3). Not found in gnomAD (PM2). Predicted to be disease-causing by Mutation Taster, probably damaging by PolyPhen-2, and deleterious by SIFT; site is highly conserved amongst mammals (PP3). Post_P 0.975 (odds of pathogenicity 350.3, Prior_P 0.1).

Literature cited by the submitters: PubMed 36212142.